The following is an entry in ClinVar:

ClinVar aggregate classification (germline): Likely benign. Review status: criteria provided, multiple submitters, no conflicts (2 of 4 stars). 3 submissions from 3 submitters: Likely benign (2). 1 of the submissions does not count toward it. Last evaluated 2025-03-01.

Conditions:
POLR2A-related disorder. Also called: POLR2A-related condition.

Allele frequency attached by ClinVar (database versions not stated): gnomAD exomes 0.00034; ExAC 0.00112; 1000 Genomes Project 30x 0.00281; 1000 Genomes Project 0.00339; gnomAD 0.00356; TOPMed 0.00416; ESP Exome Variant Server 0.00492.

Submissions (3):

CeGaT Center for Human Genetics Tuebingen
Classification: Likely benign. Last evaluated: 2025-03-01. Review status: criteria provided, single submitter. Criteria: CeGaT Center For Human Genetics Tuebingen Variant Classification Criteria Version 2. Collection method: clinical testing. Allele origin: germline. Affected: yes. Observed: 3 variant alleles.
Comment: POLR2A: BP4, BP7, BS1

Blueprint Genetics
Classification: Likely benign. Last evaluated: 2024-11-01. Review status: criteria provided, single submitter. Criteria: ACMG Guidelines, 2015. Collection method: clinical testing. Allele origin: germline.

PreventionGenetics, part of Exact Sciences
Classification: Benign for POLR2A-related condition. Last evaluated: 2020-01-24. Review status: no assertion criteria provided. Collection method: clinical testing. Allele origin: germline. Not counted in ClinVar's aggregate classification.
Comment: This variant is classified as benign based on ACMG/AMP sequence variant interpretation guidelines (Richards et al. 2015 PMID: 25741868, with internal and published modifications).

NM_000937.5(POLR2A):c.3732C>T (p.Asn1244=)

Gene: POLR2A (RNA polymerase II subunit A; plus strand). Cytogenetic location: 17p13.1.
Variant type: single nucleotide variant.
Coding change: c.3732C>T on transcript NM_000937.5 (MANE Select); coding-DNA position 3732, C replaced by T.
Protein change: p.Asn1244=; no amino-acid change (asparagine 1244 retained).
Molecular consequence: synonymous variant.
Genome position (GRCh38, 1-based): chr17:7,509,551, C>T. VCF-style: chr17-7509551-C-T. GRCh37 (hg19) VCF-style: chr17-7412870-C-T.
Identifiers: ClinVar variation 3045711 (VCV003045711.18), dbSNP rs111673361, ClinGen allele CA8350064.